The following is an entry in ClinVar:

ClinVar aggregate classification (germline): Likely benign. Review status: criteria provided, single submitter (1 of 4 stars). 2 submissions from 2 submitters: Likely benign (1). 1 of the submissions does not count toward it. Last evaluated 2023-10-01.

Conditions:
QRICH2-related disorder. Also called: QRICH2-related condition.

Allele frequency attached by ClinVar (database versions not stated): 1000 Genomes Project 30x 0.00016; 1000 Genomes Project 0.00020; ExAC 0.00092; ESP Exome Variant Server 0.00023; gnomAD 0.00062; TOPMed 0.00065.

Submissions (2):

CeGaT Center for Human Genetics Tuebingen
Classification: Likely benign. Last evaluated: 2023-10-01. Review status: criteria provided, single submitter. Criteria: CeGaT Center For Human Genetics Tuebingen Variant Classification Criteria Version 2. Collection method: clinical testing. Allele origin: germline. Affected: yes. Observed: 1 variant allele.
Comment: QRICH2: BP4, BP7

PreventionGenetics, part of Exact Sciences
Classification: Benign for QRICH2-related condition. Last evaluated: 2019-07-01. Review status: no assertion criteria provided. Collection method: clinical testing. Allele origin: germline. Not counted in ClinVar's aggregate classification.
Comment: This variant is classified as benign based on ACMG/AMP sequence variant interpretation guidelines (Richards et al. 2015 PMID: 25741868, with internal and published modifications).

NM_001388453.1(QRICH2):c.1653G>A (p.Val551=)

Gene: QRICH2 (glutamine rich 2; minus strand). Cytogenetic location: 17q25.1.
Variant type: single nucleotide variant.
Coding change: c.1653G>A on transcript NM_001388453.1 (MANE Select); coding-DNA position 1653, G replaced by A.
Protein change: p.Val551=; no amino-acid change (valine 551 retained).
Molecular consequence: synonymous variant.
Genome position (GRCh38, 1-based): chr17:76,293,074, C>T on the plus strand (G>A on the coding strand, the complement: QRICH2 is on the minus strand). VCF-style: chr17-76293074-C-T. GRCh37 (hg19) VCF-style: chr17-74289155-C-T.
Other names: c.1653G>A, p.Val551= (NM_032134.3); c.1155G>A (NM_032134.2).
Identifiers: ClinVar variation 2648312 (VCV002648312.25), dbSNP rs150148211, ClinGen allele CA8784255.